The following is an entry in ClinVar:

ClinVar aggregate classification (germline): Uncertain significance. Review status: criteria provided, multiple submitters, no conflicts (2 of 4 stars). 2 submissions from 2 submitters: Uncertain significance (2). Last evaluated 2023-11-01.

Conditions:
Mitochondrial complex I deficiency, nuclear type 3. Also called: Mitochondrial complex 1 deficiency, nuclear type 3. Identifiers: MedGen C4748752, MONDO:0032608, OMIM 618224.

gnomAD v4.1: 5 of 1,586,702 alleles (0.00032%); highest among the groups gnomAD compares: South Asian, 0.0012%; no homozygotes.

Submissions (2):

Revvity Omics, Revvity
Classification: Uncertain significance for Mitochondrial complex I deficiency, nuclear type 3. Last evaluated: 2023-11-01. Review status: criteria provided, single submitter. Criteria: ACMG Guidelines, 2015. Collection method: clinical testing. Allele origin: germline.

Labcorp Genetics (formerly Invitae), Labcorp
Classification: Uncertain significance. Last evaluated: 2022-07-21. Review status: criteria provided, single submitter. Criteria: Invitae Variant Classification Sherloc (09022015). Collection method: clinical testing. Allele origin: germline.
Comment: This sequence change replaces valine, which is neutral and non-polar, with methionine, which is neutral and non-polar, at codon 174 of the NDUFS7 protein (p.Val174Met). This variant is not present in population databases (gnomAD no frequency). This variant has not been reported in the literature in individuals affected with NDUFS7-related conditions. Algorithms developed to predict the effect of missense changes on protein structure and function are either unavailable or do not agree on the potential impact of this missense change (SIFT: "Deleterious"; PolyPhen-2: "Probably Damaging"; Align-GVGD: "Class C0"). In summary, the available evidence is currently insufficient to determine the role of this variant in disease. Therefore, it has been classified as a Variant of Uncertain Significance.

NM_024407.5(NDUFS7):c.520G>A (p.Val174Met)

Gene: NDUFS7 (NADH:ubiquinone oxidoreductase core subunit S7; plus strand). Cytogenetic location: 19p13.3.
Variant type: single nucleotide variant.
Coding change: c.520G>A on transcript NM_024407.5 (MANE Select); coding-DNA position 520, G replaced by A.
Protein change: p.Val174Met; replaces valine 174 with methionine.
Molecular consequence: missense variant.
Genome position (GRCh38, 1-based): chr19:1,393,306, G>A. VCF-style: chr19-1393306-G-A. GRCh37 (hg19) VCF-style: chr19-1393305-G-A.
Other names: c.520G>A, p.Val174Met (NM_001363602.2); short protein forms V174M.
Identifiers: ClinVar variation 2155247 (VCV002155247.3), dbSNP rs2512213859, ClinGen allele CA402987361.